The following is an entry in ClinVar:

ClinVar aggregate classification (germline): Uncertain significance (1 of 4 stars; one submission).

Conditions:
Lipoic acid synthetase deficiency. Also called: HYPERGLYCINEMIA, LACTIC ACIDOSIS, AND SEIZURES. Identifiers: Orphanet 401859, MedGen C3280887, MONDO:0013762, OMIM 614462.

Allele frequency attached by ClinVar (database versions not stated): gnomAD exomes below 0.00001 and 0.00001; ExAC 0.00001; gnomAD 0.00001; TOPMed 0.00002.
gnomAD v4.1: 7 of 1,613,084 alleles (0.00043%); highest among the groups gnomAD compares: African/African-American, 0.0013%; no homozygotes.

Submission:

Labcorp Genetics (formerly Invitae), Labcorp
Classification: Uncertain significance for Lipoic acid synthetase deficiency. Last evaluated: 2022-06-27. Review status: criteria provided, single submitter. Criteria: Invitae Variant Classification Sherloc (09022015). Collection method: clinical testing. Allele origin: germline.
Comment: This sequence change replaces leucine, which is neutral and non-polar, with phenylalanine, which is neutral and non-polar, at codon 338 of the LIAS protein (p.Leu338Phe). This variant is present in population databases (rs771693497, gnomAD 0.003%). This variant has not been reported in the literature in individuals affected with LIAS-related conditions. Algorithms developed to predict the effect of missense changes on protein structure and function are either unavailable or do not agree on the potential impact of this missense change (SIFT: "Deleterious"; PolyPhen-2: "Benign"; Align-GVGD: "Class C0"). In summary, the available evidence is currently insufficient to determine the role of this variant in disease. Therefore, it has been classified as a Variant of Uncertain Significance.

NM_006859.4(LIAS):c.1012C>T (p.Leu338Phe)

Gene: LIAS (lipoic acid synthetase; plus strand). Cytogenetic location: 4p14.
Variant type: single nucleotide variant.
Coding change: c.1012C>T on transcript NM_006859.4 (MANE Select); coding-DNA position 1012, C replaced by T.
Protein change: p.Leu338Phe; replaces leucine 338 with phenylalanine.
Molecular consequence: missense variant. On other transcripts: intron variant (1).
Genome position (GRCh38, 1-based): chr4:39,473,157, C>T. VCF-style: chr4-39473157-C-T. GRCh37 (hg19) VCF-style: chr4-39474777-C-T.
Other names: c.883C>T, p.Leu295Phe (NM_001278590.2); c.703C>T, p.Leu235Phe (NM_001363700.2); c.954+1851C>T (NM_194451.3); short protein forms L295F, L338F, L235F.
Identifiers: ClinVar variation 1419727 (VCV001419727.5), dbSNP rs771693497, ClinGen allele CA2894843.
Genomic context (GRCh38, chr4:39,473,157, plus strand): 5'-TAGGTTGAAGAATATATTACTCCTGAAAAATTCAAATACTGGGAAAAAGTAGGAAATGAA[C>T]TTGGATTTCATTATACTGCAAGTGGCCCTTTGGTGCGTTCTTCATATAAAGCAGGTAAGT-3'
Protein context (NP_006850.2, residues 328-348): FKYWEKVGNE[Leu338Phe]GFHYTASGPL